The following is an entry in ClinVar:

ClinVar aggregate classification (germline): Benign. Review status: criteria provided, multiple submitters, no conflicts (2 of 4 stars). 4 submissions from 4 submitters: Benign (3). 1 of the submissions does not count toward it. Last evaluated 2026-01-27.

Conditions:
KSR2-related disorder. Also called: KSR2-related condition.

Allele frequency attached by ClinVar (database versions not stated): gnomAD 0.00697 and 0.00731; 1000 Genomes Project 30x 0.01077; gnomAD exomes 0.00071 and 0.00171; ESP Exome Variant Server 0.00724; ExAC 0.00214; TOPMed 0.00767; 1000 Genomes Project 0.00958.
gnomAD v4.1: 2,175 of 1,613,944 alleles (0.13%); highest among the groups gnomAD compares: African/African-American, 2.4%; 29 homozygotes.

Submissions (4):

Labcorp Genetics (formerly Invitae), Labcorp
Classification: Benign. Last evaluated: 2026-01-27. Review status: criteria provided, single submitter. Criteria: Invitae Variant Classification Sherloc (09022015). Collection method: clinical testing. Allele origin: germline.

Genetic Services Laboratory, University of Chicago
Classification: Benign. Last evaluated: 2021-07-21. Review status: criteria provided, single submitter. Criteria: ACMG Guidelines, 2015. Collection method: clinical testing. Allele origin: germline. Affected: no.

Breakthrough Genomics
Classification: Benign. Review status: criteria provided, single submitter. Criteria: ACMG Guidelines, 2015. Collection method: not provided. Allele origin: germline. Inheritance: Unknown mechanism. Affected: yes.

PreventionGenetics, part of Exact Sciences
Classification: Benign for KSR2-related condition. Last evaluated: 2019-04-29. Review status: no assertion criteria provided. Collection method: clinical testing. Allele origin: germline. Not counted in ClinVar's aggregate classification.
Comment: This variant is classified as benign based on ACMG/AMP sequence variant interpretation guidelines (Richards et al. 2015 PMID: 25741868, with internal and published modifications).

NM_173598.6(KSR2):c.2757T>C (p.Pro919=)

Gene: KSR2 (kinase suppressor of ras 2; minus strand). Cytogenetic location: 12q24.22.
Variant type: single nucleotide variant.
Coding change: c.2757T>C on transcript NM_173598.6 (MANE Select); coding-DNA position 2757, T replaced by C.
Protein change: p.Pro919=; no amino-acid change (proline 919 retained).
Molecular consequence: synonymous variant.
Genome position (GRCh38, 1-based): chr12:117,469,751, A>G on the plus strand (T>C on the coding strand, the complement: KSR2 is on the minus strand). VCF-style: chr12-117469751-A-G. GRCh37 (hg19) VCF-style: chr12-117907556-A-G.
Identifiers: ClinVar variation 768590 (VCV000768590.15), dbSNP rs56407105, ClinGen allele CA6815623.